The following is an entry in ClinVar:

NM_003737.4(DCHS1):c.4521C>T (p.Pro1507=)

Gene: DCHS1 (dachsous cadherin-related 1; minus strand). Cytogenetic location: 11p15.4.
Variant type: single nucleotide variant.
Coding change: c.4521C>T on transcript NM_003737.4 (MANE Select); coding-DNA position 4521, C replaced by T.
Protein change: p.Pro1507=; no amino-acid change (proline 1507 retained).
Molecular consequence: synonymous variant.
Genome position (GRCh38, 1-based): chr11:6,630,273, G>A on the plus strand (C>T on the coding strand, the complement: DCHS1 is on the minus strand). VCF-style: chr11-6630273-G-A. GRCh37 (hg19) VCF-style: chr11-6651504-G-A.
Identifiers: ClinVar variation 2641565 (VCV002641565.24), dbSNP rs1184869929, ClinGen allele CA473240191.

ClinVar aggregate classification (germline): Likely benign (1 of 4 stars; one submission).

Submission:

CeGaT Center for Human Genetics Tuebingen
Classification: Likely benign. Last evaluated: 2022-05-01. Review status: criteria provided, single submitter. Criteria: CeGaT Center For Human Genetics Tuebingen Variant Classification Criteria Version 2. Collection method: clinical testing. Allele origin: germline. Affected: yes. Observed: 1 variant allele.
Comment: DCHS1: BP4, BP7